The following is an entry in ClinVar:

ClinVar aggregate classification (germline): Uncertain significance (1 of 4 stars; one submission).

Conditions:
Cortical dysplasia-focal epilepsy syndrome (PTHSL1). Also called: Pitt-Hopkins-like syndrome 1. Identifiers: Orphanet 163681, Orphanet 221150, MedGen C2750246, MONDO:0012400, OMIM 610042.

Allele frequency attached by ClinVar (database versions not stated): gnomAD 0.00001 and 0.00002; gnomAD exomes 0.00001 and 0.00003; TOPMed 0.00003; ExAC 0.00005; ESP Exome Variant Server 0.00008; 1000 Genomes Project 0.00020; 1000 Genomes Project 30x 0.00031.
gnomAD v4.1: 23 of 1,614,172 alleles (0.0014%); highest among the groups gnomAD compares: South Asian, 0.011%; no homozygotes.

Submission:

Labcorp Genetics (formerly Invitae), Labcorp
Classification: Uncertain significance for Cortical dysplasia-focal epilepsy syndrome. Last evaluated: 2022-04-18. Review status: criteria provided, single submitter. Criteria: Invitae Variant Classification Sherloc (09022015). Collection method: clinical testing. Allele origin: germline.
Comment: This sequence change replaces proline, which is neutral and non-polar, with leucine, which is neutral and non-polar, at codon 1044 of the CNTNAP2 protein (p.Pro1044Leu). This variant is present in population databases (rs369724886, gnomAD 0.01%). This variant has not been reported in the literature in individuals affected with CNTNAP2-related conditions. ClinVar contains an entry for this variant (Variation ID: 468425). Algorithms developed to predict the effect of missense changes on protein structure and function are either unavailable or do not agree on the potential impact of this missense change (SIFT: "Deleterious"; PolyPhen-2: "Benign"; Align-GVGD: "Class C0"). In summary, the available evidence is currently insufficient to determine the role of this variant in disease. Therefore, it has been classified as a Variant of Uncertain Significance.

NM_014141.6(CNTNAP2):c.3131C>T (p.Pro1044Leu)

Gene: CNTNAP2 (contactin associated protein 2; plus strand). Cytogenetic location: 7q36.1.
Variant type: single nucleotide variant.
Coding change: c.3131C>T on transcript NM_014141.6 (MANE Select); coding-DNA position 3131, C replaced by T.
Protein change: p.Pro1044Leu; replaces proline 1044 with leucine.
Molecular consequence: missense variant.
Genome position (GRCh38, 1-based): chr7:148,217,408, C>T. VCF-style: chr7-148217408-C-T. GRCh37 (hg19) VCF-style: chr7-147914500-C-T.
Other names: short protein forms P1044L.
Identifiers: ClinVar variation 468425 (VCV000468425.2), dbSNP rs369724886, ClinGen allele CA4546556.